The following is an entry in ClinVar:

NM_001040108.2(MLH3):c.4193C>A (p.Pro1398His)

Gene: MLH3 (mutL homolog 3; minus strand). Cytogenetic location: 14q24.3.
Variant type: single nucleotide variant.
Coding change: c.4193C>A on transcript NM_001040108.2 (MANE Select); coding-DNA position 4193, C replaced by A.
Protein change: p.Pro1398His; replaces proline 1398 with histidine.
Molecular consequence: missense variant.
Genome position (GRCh38, 1-based): chr14:75,018,878, G>T on the plus strand (C>A on the coding strand, the complement: MLH3 is on the minus strand). VCF-style: chr14-75018878-G-T. GRCh37 (hg19) VCF-style: chr14-75485581-G-T.
Other names: c.4121C>A, p.Pro1374His (NM_014381.3); short protein forms P1374H, P1398H.
Identifiers: ClinVar variation 5024573 (VCV005024573.1).
Genomic context (GRCh38, chr14:75,018,878, plus strand): 5'-CATTAATGTACCTGTTTTTCCTGTTCCAAGTGGTCTATGTCAGCTAACGGCAGCATAGAA[G>T]GTCTCCCGTGAGCACACTGGAATGGCAGCTGGCATGAGGACAGAGCTTCAATAAGGCGGC-3'
Protein context (NP_001035197.1, residues 1388-1408): QLPFQCAHGR[Pro1398His]SMLPLADIDH

ClinVar aggregate classification (germline): Uncertain significance (1 of 4 stars; one submission).

Submission:

Ambry Genetics
Classification: Uncertain significance. Last evaluated: 2026-06-24. Review status: criteria provided, single submitter. Criteria: Ambry Variant Classification Scheme 2023. Collection method: clinical testing. Allele origin: germline.
Comment: The p.P1398H variant (also known as c.4193C>A), located in coding exon 11 of the MLH3 gene, results from a C to A substitution at nucleotide position 4193. The proline at codon 1398 is replaced by histidine, an amino acid with similar properties. This amino acid position is conserved. In addition, this alteration is predicted to be deleterious by in silico analysis. Based on the available evidence, the clinical significance of this variant remains unclear.